The following is an entry in ClinVar:

ClinVar aggregate classification (germline): Uncertain significance (1 of 4 stars; one submission).

Conditions:
GLI3-related disorder. Also called: GLI3-related condition; GLI3-related disorders. Identifiers: MedGen CN239292.

gnomAD v4.1: 1 of 1,613,664 alleles (0.000062%); highest among the groups gnomAD compares: East Asian, 0.0022%; no homozygotes.

Submission:

PreventionGenetics, part of Exact Sciences
Classification: Uncertain significance for GLI3-related condition. Last evaluated: 2022-10-03. Review status: criteria provided, single submitter. Criteria: ACMG Guidelines, 2015. Collection method: clinical testing. Allele origin: germline.
Comment: The GLI3 c.1570C>A variant is predicted to result in the amino acid substitution p.Gln524Lys. To our knowledge, this variant has not been reported in the literature or in a large population database, indicating this variant is rare. At this time, the clinical significance of this variant is uncertain due to the absence of conclusive functional and genetic evidence.

NM_000168.6(GLI3):c.1570C>A (p.Gln524Lys)

Gene: GLI3 (GLI family zinc finger 3; minus strand). Cytogenetic location: 7p14.1.
Variant type: single nucleotide variant.
Coding change: c.1570C>A on transcript NM_000168.6 (MANE Select); coding-DNA position 1570, C replaced by A.
Protein change: p.Gln524Lys; replaces glutamine 524 with lysine.
Molecular consequence: missense variant.
Genome position (GRCh38, 1-based): chr7:41,978,676, G>T on the plus strand (C>A on the coding strand, the complement: GLI3 is on the minus strand). VCF-style: chr7-41978676-G-T. GRCh37 (hg19) VCF-style: chr7-42018275-G-T.
Other names: short protein forms Q524K.
Identifiers: ClinVar variation 2636999 (VCV002636999.1), dbSNP rs1787574732, ClinGen allele CA367325599.
Genomic context (GRCh38, chr7:41,978,676, plus strand): 5'-TCTCGCCCGTGTGTCTTCTCATATGCACTACCAACATATACTGGGCTTTGAAGGGTTTCT[G>T]CTCTCTTGAGCAGTCCAGCCACCTGCACACGAACTCCTTCTTCTCTCCATGAATATGGTC-3'
Protein context (NP_000159.3, residues 514-534): VCRWLDCSRE[Gln524Lys]KPFKAQYMLV